The following is an entry in ClinVar:

NM_018685.5(ANLN):c.2653-20T>G

Gene: ANLN (anillin, actin binding protein; plus strand). Cytogenetic location: 7p14.2.
Variant type: single nucleotide variant.
Coding change: c.2653-20T>G on transcript NM_018685.5 (MANE Select); 20 bases into the intron before coding-DNA position 2653, T replaced by G.
Molecular consequence: intron variant.
Genome position (GRCh38, 1-based): chr7:36,424,666, T>G. VCF-style: chr7-36424666-T-G. GRCh37 (hg19) VCF-style: chr7-36464275-T-G.
Other names: c.2542-20T>G (NM_001284301.3); c.2539-20T>G (NM_001284302.3).
Identifiers: ClinVar variation 2742774 (VCV002742774.3), dbSNP rs2534642775, ClinGen allele CA2697557214.

ClinVar aggregate classification (germline): Uncertain significance (1 of 4 stars; one submission).

Submission:

Labcorp Genetics (formerly Invitae), Labcorp
Classification: Uncertain significance. Last evaluated: 2023-07-12. Review status: criteria provided, single submitter. Criteria: Invitae Variant Classification Sherloc (09022015). Collection method: clinical testing. Allele origin: germline.
Comment: This sequence change falls in intron 16 of the ANLN gene. It does not directly change the encoded amino acid sequence of the ANLN protein. This variant is not present in population databases (gnomAD no frequency). This variant has not been reported in the literature in individuals affected with ANLN-related conditions. Algorithms developed to predict the effect of sequence changes on RNA splicing suggest that this variant may create or strengthen a splice site. In summary, the available evidence is currently insufficient to determine the role of this variant in disease. Therefore, it has been classified as a Variant of Uncertain Significance.